The following is an entry in ClinVar:

ClinVar aggregate classification (germline): Conflicting classifications of pathogenicity. Review status: criteria provided, conflicting classifications (1 of 4 stars). 3 submissions from 3 submitters: Likely pathogenic (1); Uncertain significance (2). Last evaluated 2025-05-06.

Conditions:
Hereditary cancer-predisposing syndrome. Also called: Hereditary Cancer Syndrome; Hereditary neoplastic syndrome; Neoplastic Syndromes, Hereditary; Tumor predisposition. Identifiers: Orphanet 140162, MedGen C0027672, MeSH D009386, MONDO:0015356.
Tumor predisposition syndrome 3 (TPDS3). Also called: Melanoma, cutaneous malignant, susceptibility to, 10; Glioma susceptibility 9; LONG TELOMERE SYNDROME, POT1-RELATED; POT1 Tumor Predisposition. Identifiers: Orphanet 618, MedGen C4014476, MONDO:0014368, OMIM 615848.

Submissions (3):

Department of Clinical Genetics, Copenhagen University Hospital, Rigshospitalet
Classification: Likely pathogenic for Tumor predisposition syndrome 3. Last evaluated: 2025-05-06. Review status: criteria provided, single submitter. Criteria: ACMG Guidelines, 2015. Collection method: clinical testing. Allele origin: de novo. Affected: yes.
Comment: The following ACMG criteria has been used: PM2_SUP; PP3; PM6; PS3 (long telomers)

Ambry Genetics
Classification: Uncertain significance for Hereditary cancer-predisposing syndrome. Last evaluated: 2024-08-07. Review status: criteria provided, single submitter. Criteria: Ambry Variant Classification Scheme 2023. Collection method: clinical testing. Allele origin: germline.
Comment: The p.H226Y variant (also known as c.676C>T), located in coding exon 5 of the POT1 gene, results from a C to T substitution at nucleotide position 676. The histidine at codon 226 is replaced by tyrosine, an amino acid with similar properties. This amino acid position is highly conserved in available vertebrate species. In addition, this alteration is predicted to be deleterious by in silico analysis. Based on the available evidence, the clinical significance of this variant remains unclear.

Labcorp Genetics (formerly Invitae), Labcorp
Classification: Uncertain significance for Tumor predisposition syndrome 3. Last evaluated: 2023-03-18. Review status: criteria provided, single submitter. Criteria: Invitae Variant Classification Sherloc (09022015). Collection method: clinical testing. Allele origin: germline.
Comment: This sequence change replaces histidine, which is basic and polar, with tyrosine, which is neutral and polar, at codon 226 of the POT1 protein (p.His226Tyr). This variant is not present in population databases (gnomAD no frequency). This variant has not been reported in the literature in individuals affected with POT1-related conditions. ClinVar contains an entry for this variant (Variation ID: 1755338). Advanced modeling of protein sequence and biophysical properties (such as structural, functional, and spatial information, amino acid conservation, physicochemical variation, residue mobility, and thermodynamic stability) performed at Invitae indicates that this missense variant is not expected to disrupt POT1 protein function. In summary, the available evidence is currently insufficient to determine the role of this variant in disease. Therefore, it has been classified as a Variant of Uncertain Significance.

NM_015450.3(POT1):c.676C>T (p.His226Tyr)

Gene: POT1 (protection of telomeres 1; minus strand). Cytogenetic location: 7q31.33.
Variant type: single nucleotide variant.
Coding change: c.676C>T on transcript NM_015450.3 (MANE Select); coding-DNA position 676, C replaced by T.
Protein change: p.His226Tyr; replaces histidine 226 with tyrosine.
Molecular consequence: missense variant. On other transcripts: non-coding transcript variant (3).
Genome position (GRCh38, 1-based): chr7:124,858,983, G>A on the plus strand (C>T on the coding strand, the complement: POT1 is on the minus strand). VCF-style: chr7-124858983-G-A. GRCh37 (hg19) VCF-style: chr7-124499037-G-A.
Other names: c.283C>T, p.His95Tyr (NM_001042594.2); short protein forms H226Y, H95Y.
Identifiers: ClinVar variation 1755338 (VCV001755338.7), dbSNP rs1225635203, ClinGen allele CA369056090.